The following is an entry in ClinVar:

NM_000329.3(RPE65):c.3G>A (p.Met1Ile)

Gene: RPE65 (retinoid isomerohydrolase RPE65; minus strand). Cytogenetic location: 1p31.3.
Variant type: single nucleotide variant.
Coding change: c.3G>A on transcript NM_000329.3 (MANE Select); coding-DNA position 3, G replaced by A.
Protein change: p.Met1Ile; changes the start codon (methionine 1).
Molecular consequence: missense variant, initiator codon variant.
Genome position (GRCh38, 1-based): chr1:68,449,903, C>T on the plus strand (G>A on the coding strand, the complement: RPE65 is on the minus strand). VCF-style: chr1-68449903-C-T. GRCh37 (hg19) VCF-style: chr1-68915586-C-T.
Other names: short protein forms M1I.
Identifiers: ClinVar variation 1067769 (VCV001067769.10), dbSNP rs1357241537, ClinGen allele CA340750383.

ClinVar aggregate classification (germline): Pathogenic/Likely pathogenic. Review status: criteria provided, multiple submitters, no conflicts (2 of 4 stars). 2 submissions from 2 submitters: Pathogenic (1); Likely pathogenic (1). Last evaluated 2024-10-15.

Conditions:
Retinitis pigmentosa 20 (RP20). Identifiers: Orphanet 791, MedGen C3151086, MONDO:0013425, OMIM 613794.
Leber congenital amaurosis 2 (LCA2). Also called: Autosomal Recessive RPE65-Related Retinal Degeneration; AMAUROSIS CONGENITA OF LEBER II. Identifiers: Orphanet 65, MedGen C1859844, MONDO:0008765, OMIM 204100. Disease mechanism: loss of function.
Leber congenital amaurosis (LCA). Also called: Leber's amaurosis. Identifiers: Orphanet 65, MedGen C0339527, MeSH D057130, MONDO:0018998.

Allele frequency attached by ClinVar (database versions not stated): gnomAD exomes below 0.00001.

Submissions (2):

Women's Health and Genetics/Laboratory Corporation of America, LabCorp
Classification: Likely pathogenic for Leber congenital amaurosis. Last evaluated: 2024-10-15. Review status: criteria provided, single submitter. Criteria: LabCorp Variant Classification Summary - May 2015. Collection method: clinical testing. Allele origin: germline.
Comment: Variant summary: RPE65 c.3G>A (p.Met1Ile) alters the initiation codon and is predicted to result either in absence of the protein or truncation of the encoded protein due to translation initiation at a downstream codon. The next in frame methionine occurs at p.Met93. Two of two in-silico tools predict a benign effect of the variant on protein function. The variant allele was found at a frequency of 4e-06 in 251304 control chromosomes. To our knowledge, no occurrence of c.3G>A in individuals affected with Leber Congenital Amaurosis and no experimental evidence demonstrating its impact on protein function have been reported. A downstream missense variant has been classified as Pathogenic by our lab (p.Leu22Pro), suggesting this region of the protein is essential. ClinVar contains an entry for this variant (Variation ID: 1067769). Based on the evidence outlined above, the variant was classified as likely pathogenic.

Labcorp Genetics (formerly Invitae), Labcorp
Classification: Pathogenic for Leber congenital amaurosis 2; Retinitis pigmentosa 20. Last evaluated: 2023-02-10. Review status: criteria provided, single submitter. Criteria: Invitae Variant Classification Sherloc (09022015). Collection method: clinical testing. Allele origin: germline.
Comment: For these reasons, this variant has been classified as Pathogenic. This sequence change affects the initiator methionine of the RPE65 mRNA. The next in-frame methionine is located at codon 93. This variant is present in population databases (no rsID available, gnomAD 0.003%). Disruption of the initiator codon has been observed in individual(s) with autosomal recessive Leber congenital amaurosis (PMID: 9501220). ClinVar contains an entry for this variant (Variation ID: 1067769). This variant disrupts a region of the RPE65 protein in which other variant(s) (p.Pro25Leu) have been determined to be pathogenic (PMID: 18599565, 25972377, 28041643, 30268864). This suggests that this is a clinically significant region of the protein, and that variants that disrupt it are likely to be disease-causing.

Literature cited by the submitters: PubMed 9501220 (cited by Labcorp Genetics (formerly Invitae), Labcorp); PubMed 18599565 (cited by Labcorp Genetics (formerly Invitae), Labcorp); PubMed 25972377 (cited by Labcorp Genetics (formerly Invitae), Labcorp); PubMed 28041643 (cited by Labcorp Genetics (formerly Invitae), Labcorp); PubMed 30268864 (cited by Labcorp Genetics (formerly Invitae), Labcorp).